The following is an entry in ClinVar:

ClinVar aggregate classification (germline): Uncertain significance (1 of 4 stars; one submission).

gnomAD v4.1: 2 of 1,614,188 alleles (0.00012%); highest among the groups gnomAD compares: South Asian, 0.0022%; no homozygotes.

Submission:

GeneDx
Classification: Uncertain significance. Last evaluated: 2022-03-31. Review status: criteria provided, single submitter. Criteria: GeneDx Variant Classification Process June 2021. Collection method: clinical testing. Allele origin: germline. Affected: yes.
Comment: Not observed at significant frequency in large population cohorts (gnomAD); In silico analysis supports that this missense variant has a deleterious effect on protein structure/function; Has not been previously published as pathogenic or benign to our knowledge; Variants in candidate genes are classified as variants of uncertain significance in accordance with ACMG guidelines (Richards et al., 2015)

NM_018897.3(DNAH7):c.2680G>A (p.Ala894Thr)

Gene: DNAH7 (dynein axonemal heavy chain 7; minus strand). Cytogenetic location: 2q32.3.
Variant type: single nucleotide variant.
Coding change: c.2680G>A on transcript NM_018897.3 (MANE Select); coding-DNA position 2680, G replaced by A.
Protein change: p.Ala894Thr; replaces alanine 894 with threonine.
Molecular consequence: missense variant.
Genome position (GRCh38, 1-based): chr2:195,960,471, C>T on the plus strand (G>A on the coding strand, the complement: DNAH7 is on the minus strand). VCF-style: chr2-195960471-C-T. GRCh37 (hg19) VCF-style: chr2-196825195-C-T.
Other names: short protein forms A894T.
Identifiers: ClinVar variation 3342479 (VCV003342479.1).